The following is an entry in ClinVar:

ClinVar aggregate classification (germline): Likely benign (1 of 4 stars; one submission).

Submission:

GeneDx
Classification: Likely benign. Last evaluated: 2017-04-20. Review status: criteria provided, single submitter. Criteria: GeneDx Variant Classification (06012015). Collection method: clinical testing. Allele origin: germline. Affected: yes.
Comment: This variant is considered likely benign or benign based on one or more of the following criteria: it is a conservative change, it occurs at a poorly conserved position in the protein, it is predicted to be benign by multiple in silico algorithms, and/or has population frequency not consistent with disease.

NM_002180.3(IGHMBP2):c.672G>A (p.Val224=)

Gene: IGHMBP2 (immunoglobulin mu DNA binding protein 2; plus strand). Cytogenetic location: 11q13.3.
Variant type: single nucleotide variant.
Coding change: c.672G>A on transcript NM_002180.3 (MANE Select); coding-DNA position 672, G replaced by A.
Protein change: p.Val224=; no amino-acid change (valine 224 retained).
Molecular consequence: synonymous variant.
Genome position (GRCh38, 1-based): chr11:68,911,564, G>A. VCF-style: chr11-68911564-G-A. GRCh37 (hg19) VCF-style: chr11-68679032-G-A.
Identifiers: ClinVar variation 509083 (VCV000509083.1), dbSNP rs1555243316, ClinGen allele CA381643967.